The following is an entry in ClinVar:

NM_022336.4(EDAR):c.979A>T (p.Lys327Ter)

Genes: EDAR (ectodysplasin A receptor; minus strand), RANBP2 (RAN binding protein 2; plus strand). Cytogenetic location: 2q13.
Variant type: single nucleotide variant.
Coding change: c.979A>T on transcript NM_022336.4 (MANE Select); coding-DNA position 979, A replaced by T.
Protein change: p.Lys327Ter; replaces lysine 327 with a stop codon.
Molecular consequence: nonsense.
Genome position (GRCh38, 1-based): chr2:108,906,353, T>A on the plus strand (A>T on the coding strand, the complement: EDAR is on the minus strand). VCF-style: chr2-108906353-T-A. GRCh37 (hg19) VCF-style: chr2-109522809-T-A.
Other names: short protein forms K327*.
Identifiers: ClinVar variation 954560 (VCV000954560.9), dbSNP rs1696805876, ClinGen allele CA348050516.

ClinVar aggregate classification (germline): Pathogenic (1 of 4 stars; one submission).

Conditions:
Autosomal recessive hypohidrotic ectodermal dysplasia syndrome. Also called: Autosomal recessive hypohidrotic ectodermal dysplasia. Identifiers: Orphanet 248, MedGen C0406702, MONDO:0016619.
Ectodermal dysplasia 10A, hypohidrotic/hair/nail type, autosomal dominant (ECTD10A). Also called: Ectodermal Dysplasia 3, Anhidrotic. Identifiers: Orphanet 1810, Orphanet 238468, MedGen C3888065, MONDO:0007509, OMIM 129490.

Submission:

Labcorp Genetics (formerly Invitae), Labcorp
Classification: Pathogenic for Ectodermal dysplasia 10A, hypohidrotic/hair/nail type, autosomal dominant; Autosomal recessive hypohidrotic ectodermal dysplasia syndrome. Last evaluated: 2023-09-27. Review status: criteria provided, single submitter. Criteria: Invitae Variant Classification Sherloc (09022015). Collection method: clinical testing. Allele origin: germline.
Comment: For these reasons, this variant has been classified as Pathogenic. This variant disrupts a region of the EDAR protein in which other variant(s) (p.Arg358*) have been determined to be pathogenic (PMID: 10431241, 17125505, 27305980). This suggests that this is a clinically significant region of the protein, and that variants that disrupt it are likely to be disease-causing. ClinVar contains an entry for this variant (Variation ID: 954560). This variant has not been reported in the literature in individuals affected with EDAR-related conditions. This variant is not present in population databases (gnomAD no frequency). This sequence change creates a premature translational stop signal (p.Lys327*) in the EDAR gene. While this is not anticipated to result in nonsense mediated decay, it is expected to disrupt the last 122 amino acid(s) of the EDAR protein.

Literature cited by the submitters: PubMed 10431241; PubMed 17125505; PubMed 27305980.